The following is an entry in ClinVar:

ClinVar aggregate classification (germline): Likely pathogenic (1 of 4 stars; one submission).

Conditions:
Junctional epidermolysis bullosa gravis of Herlitz. Also called: EPIDERMOLYSIS BULLOSA JUNCTIONALIS, HERLITZ TYPE; EPIDERMOLYSIS BULLOSA, JUNCTIONAL, HERLITZ-PEARSON TYPE; JEB-HERLITZ TYPE; EPIDERMOLYSIS BULLOSA, JUNCTIONAL 1B, SEVERE; Epidermolysis Bullosa Letalis; Herlitz-type junctional epidermolysis bullosa. Identifiers: Orphanet 79404, MedGen C0079683, MONDO:0009182, OMIM 226700.

Submission:

Myriad Genetics, Inc.
Classification: Likely pathogenic for Junctional epidermolysis bullosa gravis of Herlitz. Last evaluated: 2022-03-30. Review status: criteria provided, single submitter. Criteria: Myriad Women's Health Autosomal Recessive and X-Linked Classification Criteria (2021). Collection method: clinical testing. Allele origin: unknown.
Comment: NM_005562.2(LAMC2):c.851_852ins10(H285Afs*5) is expected to be pathogenic in the context of junctional epidermolysis bullosa, LAMC2-related. This variant is predicted to lead to an abnormal or absent protein product due to the creation of a premature termination codon in LAMC2, a gene where loss-of-function variants are known to be pathogenic. Please note: this variant was assessed in the context of healthy population screening.

NM_005562.3(LAMC2):c.851_852insTGCTGAGTGT (p.His285fs)

Gene: LAMC2 (laminin subunit gamma 2; plus strand). Cytogenetic location: 1q25.3.
Variant type: Insertion.
Coding change: c.851_852insTGCTGAGTGT on transcript NM_005562.3 (MANE Select); coding-DNA positions 851 to 852, TGCTGAGTGT inserted.
Protein change: p.His285fs; shifts the reading frame from histidine 285.
Molecular consequence: frameshift variant.
Genome position: GRCh38 VCF-style: chr1-183223222-C-CTGCTGAGTGT. GRCh37 (hg19) VCF-style: chr1-183192357-C-CTGCTGAGTGT.
Other names: c.851_852insTGCTGAGTGT, p.His285fs (NM_018891.3); short protein forms H285fs.
Identifiers: ClinVar variation 1725661 (VCV001725661.2), dbSNP rs2526043721, ClinGen allele CA2580061605.